The following is an entry in ClinVar:

NM_003626.5(PPFIA1):c.600C>T (p.His200=)

Genes: PPFIA1 (PPFI scaffold protein A1; plus strand), LOC105369373 (uncharacterized LOC105369373; minus strand). Cytogenetic location: 11q13.3.
Variant type: single nucleotide variant.
Coding change: c.600C>T on transcript NM_003626.5 (MANE Select); coding-DNA position 600, C replaced by T.
Protein change: p.His200=; no amino-acid change (histidine 200 retained).
Molecular consequence: synonymous variant. On other transcripts: non-coding transcript variant (1).
Genome position (GRCh38, 1-based): chr11:70,325,568, C>T. VCF-style: chr11-70325568-C-T. GRCh37 (hg19) VCF-style: chr11-70171674-C-T.
Other names: c.600C>T, p.His200= (NM_001378006.1, NM_177423.3).
Identifiers: ClinVar variation 3234479 (VCV003234479.20), dbSNP rs2054213501, ClinGen allele CA475246662.

ClinVar aggregate classification (germline): Likely benign (1 of 4 stars; one submission).

Submission:

CeGaT Center for Human Genetics Tuebingen
Classification: Likely benign. Last evaluated: 2024-04-01. Review status: criteria provided, single submitter. Criteria: CeGaT Center For Human Genetics Tuebingen Variant Classification Criteria Version 2. Collection method: clinical testing. Allele origin: germline. Affected: yes. Observed: 1 variant allele.
Comment: PPFIA1: PM2:Supporting, BP4, BP7